The following is an entry in ClinVar:

ClinVar aggregate classification (germline): Uncertain significance (1 of 4 stars; one submission).

Allele frequency attached by ClinVar (database versions not stated): gnomAD exomes below 0.00001; TOPMed below 0.00001.

Submission:

GeneDx
Classification: Uncertain significance. Last evaluated: 2023-05-25. Review status: criteria provided, single submitter. Criteria: GeneDx Variant Classification Process June 2021. Collection method: clinical testing. Allele origin: germline. Affected: yes.
Comment: Has not been previously published as pathogenic or benign germline variant to our knowledge; In silico analysis supports that this missense variant has a deleterious effect on protein structure/function; Not observed at significant frequency in large population cohorts (gnomAD); This variant is associated with the following publications: (PMID: 32629801, 26331834, 31604779, 20929327, 27904446, 30577887)

NM_002168.4(IDH2):c.418C>T (p.Arg140Trp)

Gene: IDH2 (isocitrate dehydrogenase (NADP(+)) 2; minus strand). Cytogenetic location: 15q26.1.
Variant type: single nucleotide variant.
Coding change: c.418C>T on transcript NM_002168.4 (MANE Select); coding-DNA position 418, C replaced by T.
Protein change: p.Arg140Trp; replaces arginine 140 with tryptophan.
Molecular consequence: missense variant.
Genome position (GRCh38, 1-based): chr15:90,088,703, G>A on the plus strand (C>T on the coding strand, the complement: IDH2 is on the minus strand). VCF-style: chr15-90088703-G-A. GRCh37 (hg19) VCF-style: chr15-90631935-G-A.
Other names: c.262C>T, p.Arg88Trp (NM_001289910.1); c.28C>T, p.Arg10Trp (NM_001290114.2); short protein forms R140W, R88W, R10W.
Identifiers: ClinVar variation 375989 (VCV000375989.18), dbSNP rs267606870, ClinGen allele CA16602464.